The following is an entry in ClinVar:

NM_001267550.2(TTN):c.39201_39203dup (p.Pro13068dup)

Gene: TTN (titin; minus strand). Cytogenetic location: 2q31.2.
Variant type: Duplication.
Coding change: c.39201_39203dup on transcript NM_001267550.2 (MANE Select); coding-DNA positions 39201 to 39203, 3 bases duplicated (ACC; older notation c.39201_39203dupACC).
Protein change: p.Pro13068dup; duplicates proline 13068.
Molecular consequence: inframe insertion. On other transcripts: intron variant (3).
Genome position (GRCh38, 1-based): chr2:178,652,272-178,652,274, GGT duplicated on the plus strand (ACC on the coding strand, the reverse complement: TTN is on the minus strand); duplicating any 3 consecutive bases within chr2:178,652,272-178,652,276 gives the same sequence; the c. name uses the placement nearest the transcript's 3' end. VCF-style (leftmost placement, unchanged base first): chr2-178652271-G-GGGT. GRCh37 (hg19) VCF-style: chr2-179516998-G-GGGT.
Other names: c.39201_39203dupACC (NM_001267550.2); c.34680_34682dup, p.Pro11561dup (NM_001256850.1); c.31899_31901dup, p.Pro10634dup (NM_133378.4); c.13283-9957_13283-9955dup (NM_003319.4); c.13859-9957_13859-9955dup (NM_133437.4); c.13658-9957_13658-9955dup (NM_133432.3).
Identifiers: ClinVar variation 467107 (VCV000467107.8), dbSNP rs748388695, ClinGen allele CA1996830.
Genomic context (GRCh38, chr2:178,652,271, plus strand): 5'-ACAAAGTAAAGACAAACAAACAATATCAAACACAGCACCATGAGGGTGTCTACCTTTTGT[G>GGGT]GGTGGCACTTCAGGCTTTTTAGGAGGAGGCACTGGCACTTTCTTTTCAGGAACAACTTCT-3'

ClinVar aggregate classification (germline): Uncertain significance. Review status: criteria provided, multiple submitters, no conflicts (2 of 4 stars). 3 submissions from 3 submitters: Uncertain significance (3). Last evaluated 2025-12-09.

Conditions:
TTN-related disorder. Also called: TTN-related condition; TTN-related disease; TTN-related disorders.
Autosomal recessive limb-girdle muscular dystrophy type 2J (LGMDR10). Also called: Limb-girdle muscular dystrophy, type 2J; MUSCULAR DYSTROPHY, LIMB-GIRDLE, AUTOSOMAL RECESSIVE 10. Identifiers: Orphanet 140922, MedGen C1837342, MONDO:0012127, OMIM 608807.
Dilated cardiomyopathy 1G (CMD1G). Identifiers: Orphanet 154, MedGen C1858763, MONDO:0011400, OMIM 604145.

Submissions (3):

PreventionGenetics, part of Exact Sciences
Classification: Uncertain significance for TTN-related condition. Last evaluated: 2025-12-09. Review status: criteria provided, single submitter. Criteria: ACMG Guidelines, 2015. Collection method: clinical testing. Allele origin: germline.
Comment: The TTN c.39201_39203dupACC variant is predicted to result in an in-frame duplication (p.Pro13068dup). This variant has been reported in the compound heterozygous state in an individual with congenital centronuclear myopathy (Savarese et al. 2016. PubMed ID: 27854229). This variant is reported in 0.037% of alleles in individuals of African descent in gnomAD. At this time, the clinical significance of this variant is uncertain due to the absence of conclusive functional and genetic evidence.

Eurofins Ntd Llc (ga)
Classification: Uncertain significance. Last evaluated: 2017-12-06. Review status: criteria provided, single submitter. Criteria: EGL Classification Definitions 2015. Collection method: clinical testing. Allele origin: germline. Observed: 2 variant alleles.

Labcorp Genetics (formerly Invitae), Labcorp
Classification: Uncertain significance for Dilated cardiomyopathy 1G; Autosomal recessive limb-girdle muscular dystrophy type 2J. Last evaluated: 2017-07-24. Review status: criteria provided, single submitter. Criteria: Invitae Variant Classification Sherloc (09022015). Collection method: clinical testing. Allele origin: germline.